The following is an entry in ClinVar:

NM_001164665.2(KIAA1549):c.265G>A (p.Ala89Thr)

Gene: KIAA1549 (KIAA1549; minus strand). Cytogenetic location: 7q34.
Variant type: single nucleotide variant.
Coding change: c.265G>A on transcript NM_001164665.2 (MANE Select); coding-DNA position 265, G replaced by A.
Protein change: p.Ala89Thr; replaces alanine 89 with threonine.
Molecular consequence: missense variant.
Genome position (GRCh38, 1-based): chr7:138,919,361, C>T on the plus strand (G>A on the coding strand, the complement: KIAA1549 is on the minus strand). VCF-style: chr7-138919361-C-T. GRCh37 (hg19) VCF-style: chr7-138604107-C-T.
Other names: c.265G>A, p.Ala89Thr (NM_020910.3); c.265G>A (NM_001164665.1); short protein forms A89T.
Identifiers: ClinVar variation 1471777 (VCV001471777.8), dbSNP rs766634159, ClinGen allele CA4506986.

ClinVar aggregate classification (germline): Conflicting classifications of pathogenicity. Review status: criteria provided, conflicting classifications (1 of 4 stars). 2 submissions from 2 submitters: Uncertain significance (1); Likely benign (1). Last evaluated 2022-07-06.

Conditions:
Inborn genetic diseases. Identifiers: MedGen C0950123, MeSH D030342.

Allele frequency attached by ClinVar (database versions not stated): gnomAD 0.00002 and 0.00003; TOPMed 0.00002.
gnomAD v4.1: 20 of 1,613,874 alleles (0.0012%); highest among the groups gnomAD compares: African/African-American, 0.0053%; no homozygotes.

Submissions (2):

Labcorp Genetics (formerly Invitae), Labcorp
Classification: Uncertain significance. Last evaluated: 2022-07-06. Review status: criteria provided, single submitter. Criteria: Invitae Variant Classification Sherloc (09022015). Collection method: clinical testing. Allele origin: germline.
Comment: ClinVar contains an entry for this variant (Variation ID: 1471777). This sequence change replaces alanine, which is neutral and non-polar, with threonine, which is neutral and polar, at codon 89 of the KIAA1549 protein (p.Ala89Thr). This variant is present in population databases (rs766634159, gnomAD 0.007%). This variant has not been reported in the literature in individuals affected with KIAA1549-related conditions. Algorithms developed to predict the effect of missense changes on protein structure and function output the following: SIFT: "Tolerated"; PolyPhen-2: "Benign"; Align-GVGD: "Class C0". The threonine amino acid residue is found in multiple mammalian species, which suggests that this missense change does not adversely affect protein function. In summary, the available evidence is currently insufficient to determine the role of this variant in disease. Therefore, it has been classified as a Variant of Uncertain Significance.

Ambry Genetics
Classification: Likely benign for Inborn genetic diseases. Last evaluated: 2022-06-13. Review status: criteria provided, single submitter. Criteria: Ambry Variant Classification Scheme 2023. Collection method: clinical testing. Allele origin: germline.